The following is an entry in ClinVar:

NM_000535.7(PMS2):c.680T>A (p.Ile227Asn)

Gene: PMS2 (PMS1 homolog 2, mismatch repair system component; minus strand). Cytogenetic location: 7p22.1.
Variant type: single nucleotide variant.
Coding change: c.680T>A on transcript NM_000535.7 (MANE Select); coding-DNA position 680, T replaced by A.
Protein change: p.Ile227Asn; replaces isoleucine 227 with asparagine.
Molecular consequence: missense variant. On other transcripts: 5 prime UTR variant (2), non-coding transcript variant (1), intron variant (1).
Genome position (GRCh38, 1-based): chr7:5,999,133, A>T on the plus strand (T>A on the coding strand, the complement: PMS2 is on the minus strand). VCF-style: chr7-5999133-A-T. GRCh37 (hg19) VCF-style: chr7-6038764-A-T.
Other names: c.275T>A, p.Ile92Asn (NM_001018040.1, NM_001322003.2, NM_001322004.2 and 20 more transcripts); c.680T>A, p.Ile227Asn (NM_001322006.2, NM_001322014.2, NM_001406870.1 and 4 more transcripts); c.362T>A, p.Ile121Asn (NM_001322007.2, NM_001322008.2, NM_001406876.1 and 4 more transcripts); c.-254T>A (NM_001322011.2, NM_001322012.2); c.371T>A, p.Ile124Asn (NM_001322015.2, NM_001406875.1, NM_001406877.1 and 6 more transcripts); c.866T>A, p.Ile289Asn (NM_001406866.1); c.704T>A, p.Ile235Asn (NM_001406868.1); c.344T>A, p.Ile115Asn (NM_001406885.1); and 1 more; short protein forms I115N, I92N, I124N, I227N, I289N, I235N, I121N.
Identifiers: ClinVar variation 1755573 (VCV001755573.2), dbSNP rs1583385976, ClinGen allele CA366743859.

ClinVar aggregate classification (germline): Uncertain significance (1 of 4 stars; one submission).

Conditions:
Hereditary cancer-predisposing syndrome. Also called: Neoplastic Syndromes, Hereditary; Tumor predisposition; Hereditary Cancer Syndrome; Hereditary neoplastic syndrome. Identifiers: Orphanet 140162, MedGen C0027672, MeSH D009386, MONDO:0015356.

Submission:

Ambry Genetics
Classification: Uncertain significance for Hereditary cancer-predisposing syndrome. Last evaluated: 2020-07-30. Review status: criteria provided, single submitter. Criteria: Ambry Variant Classification Scheme 2023. Collection method: clinical testing. Allele origin: germline.
Comment: The p.I227N variant (also known as c.680T>A), located in coding exon 6 of the PMS2 gene, results from a T to A substitution at nucleotide position 680. The isoleucine at codon 227 is replaced by asparagine, an amino acid with dissimilar properties. This amino acid position is highly conserved in available vertebrate species. In addition, this alteration is predicted to be deleterious by in silico analysis. Since supporting evidence is limited at this time, the clinical significance of this alteration remains unclear.